The following is an entry in ClinVar:

NM_000038.6(APC):c.1120C>A (p.Arg374=)

Gene: APC (APC regulator of Wnt signaling pathway; plus strand). Cytogenetic location: 5q22.2.
Variant type: single nucleotide variant.
Coding change: c.1120C>A on transcript NM_000038.6 (MANE Select); coding-DNA position 1120, C replaced by A.
Protein change: p.Arg374=; no amino-acid change (arginine 374 retained).
Molecular consequence: synonymous variant. On other transcripts: intron variant (4).
Genome position (GRCh38, 1-based): chr5:112,819,152, C>A. VCF-style: chr5-112819152-C-A. GRCh37 (hg19) VCF-style: chr5-112154849-C-A.
Other names: c.1120C>A, p.Arg374= (NM_001127510.3, NM_001354895.2, NM_001354896.2); c.1066C>A, p.Arg356= (NM_001127511.3); c.1150C>A, p.Arg384= (NM_001354897.2); c.1045C>A, p.Arg349= (NM_001354898.2); c.1036C>A, p.Arg346= (NM_001354899.2); c.943C>A, p.Arg315= (NM_001354900.2, NM_001354901.2); c.271C>A, p.Arg91= (NM_001354906.2); c.964-117C>A (NM_001354902.2); and 3 more.
Identifiers: ClinVar variation 1316545 (VCV001316545.7), dbSNP rs947634162, ClinGen allele CA445960288.

ClinVar aggregate classification (germline): Conflicting classifications of pathogenicity. Review status: criteria provided, conflicting classifications (1 of 4 stars). 5 submissions from 5 submitters: Uncertain significance (4); Benign (1). Last evaluated 2025-08-22.

Conditions:
Hereditary cancer-predisposing syndrome. Also called: Hereditary neoplastic syndrome; Neoplastic Syndromes, Hereditary; Tumor predisposition; Hereditary Cancer Syndrome. Identifiers: Orphanet 140162, MedGen C0027672, MeSH D009386, MONDO:0015356.
Familial adenomatous polyposis 1 (FAP1). Also called: POLYPOSIS, ADENOMATOUS INTESTINAL; FAMILIAL ADENOMATOUS POLYPOSIS 1, ATTENUATED. Identifiers: MedGen C2713442, MONDO:0021056, OMIM 175100. Disease mechanism: loss of function.

Allele frequency attached by ClinVar (database versions not stated): TOPMed 0.00001.

Submissions (5):

Color Diagnostics, LLC DBA Color Health
Classification: Uncertain significance for Hereditary cancer-predisposing syndrome. Last evaluated: 2025-08-22. Review status: criteria provided, single submitter. Criteria: ACMG Guidelines, 2015. Collection method: clinical testing. Allele origin: germline.
Comment: This variant is located in the APC protein. To our knowledge, functional studies have not been reported for this variant. This variant has not been reported in individuals affected with APC-related disorders in the literature. This variant has not been identified in the general population by the Genome Aggregation Database (gnomAD). The available evidence is insufficient to determine the role of this variant in disease conclusively. Therefore, this variant is classified as a Variant of Uncertain Significance.

Ambry Genetics
Classification: Uncertain significance for Hereditary cancer-predisposing syndrome. Last evaluated: 2025-06-25. Review status: criteria provided, single submitter. Criteria: Ambry Variant Classification Scheme 2023. Collection method: clinical testing. Allele origin: germline.
Comment: The c.1120C>A variant (also known as p.R374R), located in coding exon 9 of the APC gene, results from a C to A substitution at nucleotide position 1120. This nucleotide substitution does not change the arginine at codon 374. This nucleotide position is well conserved in available vertebrate species. In silico splice site analysis predicts that this alteration will result in the creation or strengthening of a novel splice acceptor site. RNA studies have demonstrated that this alteration results in an incomplete splice defect; the clinical impact of this abnormal splicing is unknown at this time (Ambry internal data). Based on the available evidence, the clinical significance of this variant remains unclear.

Labcorp Genetics (formerly Invitae), Labcorp
Classification: Uncertain significance for Familial adenomatous polyposis 1. Last evaluated: 2025-05-07. Review status: criteria provided, single submitter. Criteria: Invitae Variant Classification Sherloc (09022015). Collection method: clinical testing. Allele origin: germline.
Comment: This sequence change affects codon 374 of the APC mRNA. It is a 'silent' change, meaning that it does not change the encoded amino acid sequence of the APC protein. This variant is not present in population databases (gnomAD no frequency). This variant has not been reported in the literature in individuals affected with APC-related conditions. ClinVar contains an entry for this variant (Variation ID: 1316545). Studies have shown that this variant is associated with inconclusive levels of altered splicing (internal data). In summary, the available evidence is currently insufficient to determine the role of this variant in disease. Therefore, it has been classified as a Variant of Uncertain Significance.

Myriad Genetics, Inc.
Classification: Benign for Familial adenomatous polyposis 1. Last evaluated: 2024-02-29. Review status: criteria provided, single submitter. Criteria: Myriad Autosomal Dominant, Autosomal Recessive and X-Linked Classification Criteria (2023). Collection method: clinical testing. Allele origin: unknown.
Comment: This variant is considered benign. This variant is a silent/synonymous amino acid change and it is not expected to impact splicing.

GeneDx
Classification: Uncertain significance. Last evaluated: 2021-03-02. Review status: criteria provided, single submitter. Criteria: GeneDx Variant Classification Process June 2021. Collection method: clinical testing. Allele origin: germline. Affected: yes.
Comment: Not observed in large population cohorts (Lek et al., 2016); In silico analysis supports that this variant does not alter splicing; Has not been previously published as pathogenic or benign to our knowledge